The following is an entry in ClinVar:

NM_005120.3(MED12):c.3008C>T (p.Thr1003Ile)

Gene: MED12 (mediator complex subunit 12; plus strand). Cytogenetic location: Xq13.1.
Variant type: single nucleotide variant.
Coding change: c.3008C>T on transcript NM_005120.3 (MANE Select); coding-DNA position 3008, C replaced by T.
Protein change: p.Thr1003Ile; replaces threonine 1003 with isoleucine.
Molecular consequence: missense variant.
Genome position (GRCh38, 1-based): chrX:71,127,919, C>T. VCF-style: chrX-71127919-C-T. GRCh37 (hg19) VCF-style: chrX-70347769-C-T.
Other names: short protein forms T1003I.
Identifiers: ClinVar variation 2134921 (VCV002134921.4), dbSNP rs2519687600, ClinGen allele CA413516974.
Genomic context (GRCh38, chrX:71,127,919, plus strand): 5'-CAACACTACTATCTCCTTTCCTCCATCCCTGCAGCGACTTTTGCTCAAAGGTGAAGAACA[C>T]CATCTACTGCAACGTGGAGCCATCGGAATCAAATATGCGCTGGGCACCTGAGTTCATGAT-3'
Protein context (NP_005111.2, residues 993-1013): FSDFCSKVKN[Thr1003Ile]IYCNVEPSES

ClinVar aggregate classification (germline): Uncertain significance (1 of 4 stars; one submission).

Conditions:
FG syndrome (FGS). Identifiers: MedGen C0220769, MONDO:0002010.

Submission:

Labcorp Genetics (formerly Invitae), Labcorp
Classification: Uncertain significance for FG syndrome. Last evaluated: 2022-05-07. Review status: criteria provided, single submitter. Criteria: Invitae Variant Classification Sherloc (09022015). Collection method: clinical testing. Allele origin: germline.
Comment: This sequence change replaces threonine, which is neutral and polar, with isoleucine, which is neutral and non-polar, at codon 1003 of the MED12 protein (p.Thr1003Ile). In summary, the available evidence is currently insufficient to determine the role of this variant in disease. Therefore, it has been classified as a Variant of Uncertain Significance. Algorithms developed to predict the effect of missense changes on protein structure and function are either unavailable or do not agree on the potential impact of this missense change (SIFT: "Deleterious"; PolyPhen-2: "Possibly Damaging"; Align-GVGD: "Class C0"). This variant has not been reported in the literature in individuals affected with MED12-related conditions. This variant is not present in population databases (gnomAD no frequency).